The following is an entry in ClinVar:

NM_002609.4(PDGFRB):c.330C>T (p.Thr110=)

Gene: PDGFRB (platelet derived growth factor receptor beta; minus strand). Cytogenetic location: 5q32.
Variant type: single nucleotide variant.
Coding change: c.330C>T on transcript NM_002609.4 (MANE Select); coding-DNA position 330, C replaced by T.
Protein change: p.Thr110=; no amino-acid change (threonine 110 retained).
Molecular consequence: synonymous variant. On other transcripts: 5 prime UTR variant (1).
Genome position (GRCh38, 1-based): chr5:150,135,589, G>A on the plus strand (C>T on the coding strand, the complement: PDGFRB is on the minus strand). VCF-style: chr5-150135589-G-A. GRCh37 (hg19) VCF-style: chr5-149515152-G-A.
Other names: c.138C>T, p.Thr46= (NM_001355016.2); c.-188C>T (NM_001355017.2).
Identifiers: ClinVar variation 728357 (VCV000728357.10), dbSNP rs755333624, ClinGen allele CA3508360.
Genomic context (GRCh38, chr5:150,135,589, plus strand): 5'-TGGGCACACAGGCTGGGAGCCCTTACCTGGCACAAAGATGTAGAGCCGTTTCCGCTCATC[G>A]GTCTCCAGTCCACGGGAGTCATTGTGGGTGCAAAAGTATTCTCCCGTGTCTAGCCCAGTG-3'
Protein context (NP_002600.1, residues 100-120): CTHNDSRGLE[Thr110=]DERKRLYIFV

ClinVar aggregate classification (germline): Likely benign. Review status: criteria provided, single submitter (1 of 4 stars). 2 submissions from 2 submitters: Likely benign (1). 1 of the submissions does not count toward it. Last evaluated 2025-04-26.

Conditions:
PDGFRB-related disorder. Also called: PDGFRB-related condition.
Skeletal overgrowth-craniofacial dysmorphism-hyperelastic skin-white matter lesions syndrome. Also called: SKELETAL OVERGROWTH WITH FACIAL DYSMORPHISM, HYPERELASTIC SKIN, WHITE MATTER LESIONS, AND NEUROLOGIC DETERIORATION; Kosaki overgrowth syndrome. Identifiers: Orphanet 477831, MedGen C4225270, MONDO:0014704, OMIM 616592.
Acroosteolysis-keloid-like lesions-premature aging syndrome. Also called: Premature aging syndrome, Penttinen type; Prematurely aged appearance, delayed bone maturation, acro-osteolysis, and brachydactyly; Progeroid syndrome, Penttinen type. Identifiers: Orphanet 363665, MedGen C1866182, MONDO:0011150, OMIM 601812.
Infantile myofibromatosis (IMF). Also called: Congenital generalized fibromatosis. Identifiers: Orphanet 2591, MedGen C0432284, MONDO:0016824.
Basal ganglia calcification, idiopathic, 4 (PFBC4). Also called: PRIMARY FAMILIAL BRAIN CALCIFICATION 4, AUTOSOMAL DOMINANT; Familial Idiopathic Basal Ganglia Calcification 4. Identifiers: Orphanet 1980, MedGen C3554321, MONDO:0014004, OMIM 615007.

Allele frequency attached by ClinVar (database versions not stated): gnomAD exomes below 0.00001 and 0.00001; gnomAD 0.00004 and 0.00003; TOPMed 0.00008; ExAC 0.00001.
gnomAD v4.1: 27 of 1,612,598 alleles (0.0017%); highest among the groups gnomAD compares: Admixed American, 0.01%; no homozygotes.

Submissions (2):

Labcorp Genetics (formerly Invitae), Labcorp
Classification: Likely benign for Basal ganglia calcification, idiopathic, 4; Skeletal overgrowth-craniofacial dysmorphism-hyperelastic skin-white matter lesions syndrome; Infantile myofibromatosis; Acroosteolysis-keloid-like lesions-premature aging syndrome. Last evaluated: 2025-04-26. Review status: criteria provided, single submitter. Criteria: Invitae Variant Classification Sherloc (09022015). Collection method: clinical testing. Allele origin: germline.

PreventionGenetics, part of Exact Sciences
Classification: Likely benign for PDGFRB-related condition. Last evaluated: 2019-03-15. Review status: no assertion criteria provided. Collection method: clinical testing. Allele origin: germline. Not counted in ClinVar's aggregate classification.
Comment: This variant is classified as likely benign based on ACMG/AMP sequence variant interpretation guidelines (Richards et al. 2015 PMID: 25741868, with internal and published modifications).